The following is an entry in ClinVar:

NM_004699.4(FAM50A):c.164C>T (p.Ala55Val)

Gene: FAM50A (family with sequence similarity 50 member A; plus strand). Cytogenetic location: Xq28.
Variant type: single nucleotide variant.
Coding change: c.164C>T on transcript NM_004699.4 (MANE Select); coding-DNA position 164, C replaced by T.
Protein change: p.Ala55Val; replaces alanine 55 with valine.
Molecular consequence: missense variant.
Genome position (GRCh38, 1-based): chrX:154,445,685, C>T. VCF-style: chrX-154445685-C-T. GRCh37 (hg19) VCF-style: chrX-153674033-C-T.
Other names: c.164C>T (NM_004699.3); short protein forms A55V.
Identifiers: ClinVar variation 4846792 (VCV004846792.2).

ClinVar aggregate classification (germline): Uncertain significance. Review status: criteria provided, multiple submitters, no conflicts (2 of 4 stars). 2 submissions from 2 submitters: Uncertain significance (2). Last evaluated 2026-06-25.

Conditions:
FAM50A-related disorder. Also called: FAM50A-related condition.
Armfield syndrome (MRXSA). Identifiers: Orphanet 85276, MedGen C1846057, MONDO:0010284, OMIM 300261.

Submissions (2):

PreventionGenetics, part of Exact Sciences
Classification: Uncertain significance for FAM50A-related condition. Last evaluated: 2026-06-25. Review status: criteria provided, single submitter. Criteria: ACMG Guidelines, 2015. Collection method: clinical testing. Allele origin: germline.
Comment: The FAM50A c.164C>T variant is predicted to result in the amino acid substitution p.Ala55Val. To our knowledge, this variant has not been reported in the literature or in a large population database (gnomAD), indicating this variant is rare. At this time, the clinical significance of this variant is uncertain due to the absence of conclusive functional and genetic evidence.

Laboratorio de Genetica e Diagnostico Molecular, Hospital Israelita Albert Einstein
Classification: Uncertain significance for Armfield syndrome. Last evaluated: 2025-09-22. Review status: criteria provided, single submitter. Criteria: ACMG Guidelines, 2015. Collection method: clinical testing. Allele origin: germline. Affected: yes.
Comment: ACMG classification criteria: PM2 supporting, BP4 supporting